The following is an entry in ClinVar:

ClinVar aggregate classification (germline): Uncertain significance. Review status: criteria provided, multiple submitters, no conflicts (2 of 4 stars). 3 submissions from 3 submitters: Uncertain significance (3). Last evaluated 2026-03-16.

Conditions:
Myofibrillar myopathy 5. Also called: Filaminopathy (type); FILAMINOPATHY, AUTOSOMAL DOMINANT. Identifiers: Orphanet 171445, MedGen C1836050, MONDO:0012289, OMIM 609524.
Hypertrophic cardiomyopathy 26. Also called: Cardiomyopathy, familial hypertrophic, 26. Identifiers: Orphanet 75249, MedGen C4310749, MONDO:0014883, OMIM 617047.
Distal myopathy with posterior leg and anterior hand involvement. Also called: WILLIAMS DISTAL MYOPATHY. Identifiers: Orphanet 63273, MedGen C3279722, MONDO:0013550, OMIM 614065.
Cardiovascular phenotype. Identifiers: MedGen CN230736.

Allele frequency attached by ClinVar (database versions not stated): gnomAD exomes 0.00001.
gnomAD v4.1: 9 of 1,614,070 alleles (0.00056%); highest among the groups gnomAD compares: Non-Finnish European, 0.00068%; no homozygotes.

Submissions (3):

GeneDx
Classification: Uncertain significance. Last evaluated: 2026-03-16. Review status: criteria provided, single submitter. Criteria: GeneDx Variant Classification Process June 2021. Collection method: clinical testing. Allele origin: germline.
Comment: Not observed at significant frequency in large population cohorts (gnomAD); In silico analysis supports that this missense variant has a deleterious effect on protein structure/function; Has not been previously published as pathogenic or benign to our knowledge

Ambry Genetics
Classification: Uncertain significance for Cardiovascular phenotype. Last evaluated: 2025-10-25. Review status: criteria provided, single submitter. Criteria: Ambry Variant Classification Scheme 2023. Collection method: clinical testing. Allele origin: germline.
Comment: The p.K377E variant (also known as c.1129A>G), located in coding exon 7 of the FLNC gene, results from an A to G substitution at nucleotide position 1129. The lysine at codon 377 is replaced by glutamic acid, an amino acid with similar properties. This amino acid position is conserved. In addition, the in silico prediction for this alteration is inconclusive. Based on the available evidence, the clinical significance of this variant remains unclear.

Labcorp Genetics (formerly Invitae), Labcorp
Classification: Uncertain significance for Distal myopathy with posterior leg and anterior hand involvement; Myofibrillar myopathy 5; Hypertrophic cardiomyopathy 26. Last evaluated: 2023-03-29. Review status: criteria provided, single submitter. Criteria: Invitae Variant Classification Sherloc (09022015). Collection method: clinical testing. Allele origin: germline.
Comment: This variant is not present in population databases (gnomAD no frequency). In summary, the available evidence is currently insufficient to determine the role of this variant in disease. Therefore, it has been classified as a Variant of Uncertain Significance. Advanced modeling of protein sequence and biophysical properties (such as structural, functional, and spatial information, amino acid conservation, physicochemical variation, residue mobility, and thermodynamic stability) has been performed at Invitae for this missense variant, however the output from this modeling did not meet the statistical confidence thresholds required to predict the impact of this variant on FLNC protein function. ClinVar contains an entry for this variant (Variation ID: 1010022). This variant has not been reported in the literature in individuals affected with FLNC-related conditions. This sequence change replaces lysine, which is basic and polar, with glutamic acid, which is acidic and polar, at codon 377 of the FLNC protein (p.Lys377Glu).

NM_001458.5(FLNC):c.1129A>G (p.Lys377Glu)

Gene: FLNC (filamin C; plus strand). Cytogenetic location: 7q32.1.
Variant type: single nucleotide variant.
Coding change: c.1129A>G on transcript NM_001458.5 (MANE Select); coding-DNA position 1129, A replaced by G.
Protein change: p.Lys377Glu; replaces lysine 377 with glutamic acid.
Molecular consequence: missense variant.
Genome position (GRCh38, 1-based): chr7:128,838,348, A>G. VCF-style: chr7-128838348-A-G. GRCh37 (hg19) VCF-style: chr7-128478402-A-G.
Other names: c.1129A>G (NM_001458.4); c.1129A>G, p.Lys377Glu (NM_001127487.2); short protein forms K377E.
Identifiers: ClinVar variation 1010022 (VCV001010022.11), dbSNP rs1035933787, ClinGen allele CA166214877.